The following is an entry in ClinVar:

NM_016507.4(CDK12):c.4372C>T (p.His1458Tyr)

Gene: CDK12 (cyclin dependent kinase 12; plus strand). Cytogenetic location: 17q12.
Variant type: single nucleotide variant.
Coding change: c.4372C>T on transcript NM_016507.4 (MANE Select); coding-DNA position 4372, C replaced by T.
Protein change: p.His1458Tyr; replaces histidine 1458 with tyrosine.
Molecular consequence: missense variant.
Genome position (GRCh38, 1-based): chr17:39,531,215, C>T. VCF-style: chr17-39531215-C-T. GRCh37 (hg19) VCF-style: chr17-37687468-C-T.
Other names: c.4345C>T, p.His1449Tyr (NM_015083.4); short protein forms H1449Y, H1458Y.
Identifiers: ClinVar variation 4224456 (VCV004224456.1).

ClinVar aggregate classification (germline): Uncertain significance (1 of 4 stars; one submission).

Submission:

Ambry Genetics
Classification: Uncertain significance. Last evaluated: 2025-09-10. Review status: criteria provided, single submitter. Criteria: Ambry Variant Classification Scheme 2023. Collection method: clinical testing. Allele origin: germline.
Comment: The p.H1458Y variant (also known as c.4372C>T), located in coding exon 14 of the CDK12 gene, results from a C to T substitution at nucleotide position 4372. The histidine at codon 1458 is replaced by tyrosine, an amino acid with similar properties. This amino acid position is conserved. In addition, this alteration is predicted to be tolerated by in silico analysis. Based on the available evidence, the clinical significance of this variant remains unclear.